The following is an entry in ClinVar:

NM_000487.6(ARSA):c.731C>T (p.Ser244Leu)

Gene: ARSA (arylsulfatase A; minus strand). Cytogenetic location: 22q13.33.
Variant type: single nucleotide variant.
Coding change: c.731C>T on transcript NM_000487.6 (MANE Select); coding-DNA position 731, C replaced by T.
Protein change: p.Ser244Leu; replaces serine 244 with leucine.
Molecular consequence: missense variant.
Genome position (GRCh38, 1-based): chr22:50,626,714, G>A on the plus strand (C>T on the coding strand, the complement: ARSA is on the minus strand). VCF-style: chr22-50626714-G-A. GRCh37 (hg19) VCF-style: chr22-51065142-G-A.
Other names: c.731C>T, p.Ser244Leu (NM_001085425.3, NM_001085426.3, NM_001085427.3); c.473C>T, p.Ser158Leu (NM_001085428.3, NM_001362782.2); short protein forms S158L, S244L.
Identifiers: ClinVar variation 2581654 (VCV002581654.4), dbSNP rs1394861740, ClinGen allele CA412176504.

ClinVar aggregate classification (germline): Uncertain significance (1 of 4 stars; one submission).

Allele frequency attached by ClinVar (database versions not stated): gnomAD exomes below 0.00001.
gnomAD v4.1: 1 of 1,614,132 alleles (0.000062%); highest among the groups gnomAD compares: South Asian, 0.0011%; no homozygotes.

Submissions (2):

Women's Health and Genetics/Laboratory Corporation of America, LabCorp
Classification: Uncertain significance. Last evaluated: 2023-08-11. Review status: criteria provided, single submitter. Criteria: LabCorp Variant Classification Summary - May 2015. Collection method: clinical testing. Allele origin: germline.
Comment: Variant summary: ARSA c.731C>T (p.Ser244Leu) results in a non-conservative amino acid change in the encoded protein sequence. Four of four in-silico tools predict a damaging effect of the variant on protein function. The variant allele was found at a frequency of 4e-06 in 251062 control chromosomes. The available data on variant occurrences in the general population are insufficient to allow any conclusion about variant significance. To our knowledge, no occurrence of c.731C>T in individuals affected with Metachromatic Leukodystrophy and no experimental evidence demonstrating its impact on protein function have been reported. No submitters have cited clinical-significance assessments for this variant to ClinVar after 2014. Based on the evidence outlined above, the variant was classified as uncertain significance.

Gelb Laboratory, University of Washington
No classification provided (evidence only). Condition: Metachromatic leukodystrophy. Review status: no classification provided. Collection method: in vitro. Allele origin: not applicable. Functional consequence: loss of function. Not counted in ClinVar's aggregate classification.